The following is an entry in ClinVar:

ClinVar aggregate classification (somatic clinical impact): Tier I - Strong. Review status: criteria provided, single submitter (1 of 4 stars). 2 submissions from 1 submitter. 1 of the submissions does not count toward it. Last evaluated 2025-02-25.

Conditions:
Nasopharyngeal carcinoma. Also called: Nasopharyngeal carcinoma, somatic. Identifiers: Orphanet 150, MedGen C2931822, MONDO:0015459, OMIM 607107.
Medulloblastoma non-WNT/non-SHH group 3. Identifiers: MedGen C4330665, MONDO:0956966.

Submissions (2):

Institute for Genomic Medicine (IGM) Clinical Laboratory, Nationwide Children's Hospital
Classification: Tier II - Potential for Nasopharyngeal carcinoma. Assertion type: diagnostic. Clinical significance: supports diagnosis. Last evaluated: 2025-06-17. Review status: criteria provided, single submitter. Criteria: AMP/ASCO/CAP Guidelines, 2017. Collection method: clinical testing. Allele origin: somatic. Affected: yes. Not counted in ClinVar's aggregate classification.
Comment: Variant has Tier II (potential) clinical significance as a diagnostic inclusion criterion in nasopharyngeal carcinoma, based on the following evidence: 1) Documented in one or more cancer databases (e.g., St. Jude Pecan, COSMIC, CIViC, OncoKB). 2) Information in the literature supports potential biologic effect of variant (PMID: 33144586). 3) Diagnostic significance based on multiple small studies (Evidence Level C; PMIDs: 33144586, 28726821, 22832583, 22820256, 23432644, 33960520).

Institute for Genomic Medicine (IGM) Clinical Laboratory, Nationwide Children's Hospital
Classification: Tier I - Strong for Medulloblastoma non-WNT/non-SHH group 3. Assertion type: diagnostic. Clinical significance: supports diagnosis. Last evaluated: 2025-02-25. Review status: criteria provided, single submitter. Criteria: AMP/ASCO/CAP Guidelines, 2017. Collection method: clinical testing. Allele origin: somatic. Affected: yes.
Comment: Variant has Tier I (strong) clinical significance as a diagnostic inclusion criterion in medulloblastoma non-WNT/non-SHH group 3, based on the following evidence: 1) Documented in one or more cancer databases (e.g., St. Jude Pecan, COSMIC, CIViC, OncoKB). 2) Appears in one or more well-established professional guidelines (e.g., World Health Organization [WHO]; National Comprehensive Cancer Network [NCCN]) as providing diagnostic, prognostic, or therapeutic information. 3) Information in the literature supports potential biologic effect of variant (PMID: 33144586). 4) Diagnostic for a specific tumor type/classification based on well-powered studies with expert-level consensus (Evidence Level B; PMIDs: 21163964, 28726821, 22820256, 22832583, 22722829, 23432644).

Literature cited by the submitters: PubMed 33144586; PubMed 28726821; PubMed 22832583; PubMed 22820256; PubMed 23432644; PubMed 33960520; PubMed 21163964; PubMed 22722829.

NM_003072.5(SMARCA4):c.2461G>A (p.Glu821Lys)

Gene: SMARCA4 (SWI/SNF related BAF chromatin remodeling complex subunit ATPase 4; plus strand). Cytogenetic location: 19p13.2.
Variant type: single nucleotide variant.
Coding change: c.2461G>A on transcript NM_003072.5 (MANE Select); coding-DNA position 2461, G replaced by A.
Protein change: p.Glu821Lys; replaces glutamic acid 821 with lysine.
Molecular consequence: missense variant. On other transcripts: non-coding transcript variant (1).
Genome position (GRCh38, 1-based): chr19:11,018,979, G>A. VCF-style: chr19-11018979-G-A. GRCh37 (hg19) VCF-style: chr19-11129655-G-A.
Other names: c.2461G>A, p.Glu821Lys (NM_001128844.3, NM_001128845.2, NM_001128846.2 and 6 more transcripts); short protein forms E821K.
Identifiers: ClinVar variation 4530277 (VCV004530277.1).